The following is an entry in ClinVar:

ClinVar aggregate classification (germline): Pathogenic. Review status: criteria provided, single submitter (1 of 4 stars). 2 submissions from 2 submitters: Pathogenic (1). 1 of the submissions does not count toward it. Last evaluated 2022-10-24.

Conditions:
Charcot-Marie-Tooth disease type 2. Also called: Charcot-Marie-Tooth type 2. Identifiers: Orphanet 64746, MedGen C0270914, MONDO:0018993.

Submissions (2):

Labcorp Genetics (formerly Invitae), Labcorp
Classification: Pathogenic for Charcot-Marie-Tooth disease type 2. Last evaluated: 2022-10-24. Review status: criteria provided, single submitter. Criteria: Invitae Variant Classification Sherloc (09022015). Collection method: clinical testing. Allele origin: germline.
Comment: This sequence change replaces arginine, which is basic and polar, with proline, which is neutral and non-polar, at codon 455 of the LMNA protein (p.Arg455Pro). This variant is not present in population databases (gnomAD no frequency). This missense change has been observed in individual(s) with clinical features of autosomal dominant LMNA-related conditions (PMID: 18551513; Invitae). In at least one individual the variant was observed to be de novo. ClinVar contains an entry for this variant (Variation ID: 66810). Advanced modeling of protein sequence and biophysical properties (such as structural, functional, and spatial information, amino acid conservation, physicochemical variation, residue mobility, and thermodynamic stability) performed at Invitae indicates that this missense variant is expected to disrupt LMNA protein function. For these reasons, this variant has been classified as Pathogenic.

Epithelial Biology;  Institute of Medical Biology, Singapore
No classification provided. Review status: no classification provided. Collection method: not provided. Allele origin: not provided. Not counted in ClinVar's aggregate classification.

Literature cited by the submitters: PubMed 18551513 (cited by Labcorp Genetics (formerly Invitae), Labcorp).

NM_170707.4(LMNA):c.1364G>C (p.Arg455Pro)

Gene: LMNA (lamin A/C; plus strand). Cytogenetic location: 1q22.
Variant type: single nucleotide variant.
Coding change: c.1364G>C on transcript NM_170707.4 (MANE Select); coding-DNA position 1364, G replaced by C.
Protein change: p.Arg455Pro; replaces arginine 455 with proline.
Molecular consequence: missense variant.
Genome position (GRCh38, 1-based): chr1:156,136,420, G>C. VCF-style: chr1-156136420-G-C. GRCh37 (hg19) VCF-style: chr1-156106211-G-C.
Other names: c.1028G>C, p.Arg343Pro (NM_001257374.3); c.1121G>C, p.Arg374Pro (NM_001282624.2); c.1364G>C, p.Arg455Pro (NM_001282625.2, NM_001282626.2, NM_005572.4 and 1 more transcripts); short protein forms R455P, R374P, R343P.
Identifiers: ClinVar variation 66810 (VCV000066810.5), dbSNP rs267607597, ClinGen allele CA017066.
Genomic context (GRCh38, chr1:156,136,420, plus strand): 5'-GCACTAGCGGGCGCGTGGCCGTGGAGGAGGTGGATGAGGAGGGCAAGTTTGTCCGGCTGC[G>C]CAACAAGTCCAATGAGGTAGGCTCCTGCTCAGGGTCTAAGGGGATACAGCTGCATCAGGG-3'
Protein context (NP_733821.1, residues 445-465): VDEEGKFVRL[Arg455Pro]NKSNEDQSMG